The following is an entry in ClinVar:

ClinVar aggregate classification (germline): Uncertain significance. Review status: criteria provided, multiple submitters, no conflicts (2 of 4 stars). 2 submissions from 2 submitters: Uncertain significance (2). Last evaluated 2023-05-08.

Conditions:
Episodic ataxia type 2 (EA2). Also called: ATAXIA, EPISODIC, WITH NYSTAGMUS; ATAXIA, FAMILIAL PAROXYSMAL; CEREBELLAR ATAXIA, PAROXYSMAL, ACETAZOLAMIDE-RESPONSIVE; CEREBELLOPATHY, HEREDITARY PAROXYSMAL; EPISODIC ATAXIA, NYSTAGMUS-ASSOCIATED; ACETAZOLAMIDE-RESPONSIVE HEREDITARY PAROXYSMAL CEREBELLAR ATAXIA. Identifiers: Orphanet 97, MedGen C1720416, MONDO:0007163, OMIM 108500.
Developmental and epileptic encephalopathy, 42 (DEE42A). Also called: DEVELOPMENTAL AND EPILEPTIC ENCEPHALOPATHY 42A; EPILEPTIC ENCEPHALOPATHY, EARLY INFANTILE, 42A; Epileptic encephalopathy, early infantile, 42. Identifiers: MedGen C4310716, MONDO:0014917, OMIM 617106.

Allele frequency attached by ClinVar (database versions not stated): gnomAD exomes below 0.00001; gnomAD 0.00001.
gnomAD v4.1: 2 of 1,613,620 alleles (0.00012%); highest among the groups gnomAD compares: African/African-American, 0.0027%; no homozygotes.

Submissions (2):

GeneDx
Classification: Uncertain significance. Last evaluated: 2023-05-08. Review status: criteria provided, single submitter. Criteria: GeneDx Variant Classification Process June 2021. Collection method: clinical testing. Allele origin: germline. Affected: yes.
Comment: Not observed at significant frequency in large population cohorts (gnomAD); In silico analysis supports that this missense variant has a deleterious effect on protein structure/function; Has not been previously published as pathogenic or benign to our knowledge

Labcorp Genetics (formerly Invitae), Labcorp
Classification: Uncertain significance for Developmental and epileptic encephalopathy, 42; Episodic ataxia type 2. Last evaluated: 2021-02-15. Review status: criteria provided, single submitter. Criteria: Invitae Variant Classification Sherloc (09022015). Collection method: clinical testing. Allele origin: germline.
Comment: In summary, the available evidence is currently insufficient to determine the role of this variant in disease. Therefore, it has been classified as a Variant of Uncertain Significance. Advanced modeling of protein sequence and biophysical properties (such as structural, functional, and spatial information, amino acid conservation, physicochemical variation, residue mobility, and thermodynamic stability) performed at Invitae indicates that this missense variant is not expected to disrupt CACNA1A protein function. This variant has not been reported in the literature in individuals with CACNA1A-related conditions. This variant is not present in population databases (ExAC no frequency). This sequence change replaces serine with glycine at codon 1322 of the CACNA1A protein (p.Ser1322Gly). The serine residue is moderately conserved and there is a small physicochemical difference between serine and glycine.

NM_001127222.2(CACNA1A):c.3961A>G (p.Ser1321Gly)

Genes: CACNA1A (calcium voltage-gated channel subunit alpha1 A; minus strand), LOC126862865 (CDK7 strongly-dependent group 2 enhancer GRCh37_chr19:13385818-13387017; plus strand). Cytogenetic location: 19p13.13.
Variant type: single nucleotide variant.
Coding change: c.3961A>G on transcript NM_001127222.2 (MANE Select); coding-DNA position 3961, A replaced by G.
Protein change: p.Ser1321Gly; replaces serine 1321 with glycine.
Molecular consequence: missense variant.
Genome position (GRCh38, 1-based): chr19:13,275,878, T>C on the plus strand (A>G on the coding strand, the complement: CACNA1A is on the minus strand). VCF-style: chr19-13275878-T-C. GRCh37 (hg19) VCF-style: chr19-13386692-T-C.
Other names: c.3973A>G, p.Ser1325Gly (NM_000068.4, NM_023035.3); c.3964A>G, p.Ser1322Gly (NM_001127221.2, NM_001174080.2); c.3964A>G (NM_001127221.1); short protein forms S1325G, S1322G, S1321G.
Identifiers: ClinVar variation 1372814 (VCV001372814.9), dbSNP rs2057136011, ClinGen allele CA404340188.